The following is an entry in ClinVar:

ClinVar aggregate classification (germline): Uncertain significance. Review status: criteria provided, multiple submitters, no conflicts (2 of 4 stars). 3 submissions from 3 submitters: Uncertain significance (3). Last evaluated 2024-05-30.

Conditions:
Inborn genetic diseases. Identifiers: MedGen C0950123, MeSH D030342.
Karyomegalic interstitial nephritis. Identifiers: Orphanet 401996, MedGen C3553774, MONDO:0013898, OMIM 614817.

Submissions (3):

Ambry Genetics
Classification: Uncertain significance for Inborn genetic diseases. Last evaluated: 2024-05-30. Review status: criteria provided, single submitter. Criteria: Ambry Variant Classification Scheme 2023. Collection method: clinical testing. Allele origin: germline.

Fulgent Genetics
Classification: Uncertain significance for Karyomegalic interstitial nephritis. Last evaluated: 2024-01-05. Review status: criteria provided, single submitter. Criteria: ACMG Guidelines, 2015. Collection method: clinical testing. Allele origin: germline.

GeneDx
Classification: Uncertain significance. Last evaluated: 2023-07-03. Review status: criteria provided, single submitter. Criteria: GeneDx Variant Classification Process June 2021. Collection method: clinical testing. Allele origin: germline. Affected: yes.
Comment: In silico analysis supports that this missense variant has a deleterious effect on protein structure/function; Has not been previously published as pathogenic or benign to our knowledge

NM_014967.5(FAN1):c.1738G>A (p.Gly580Ser)

Gene: FAN1 (FANCD2 and FANCI associated nuclease 1; plus strand). Cytogenetic location: 15q13.3.
Variant type: single nucleotide variant.
Coding change: c.1738G>A on transcript NM_014967.5 (MANE Select); coding-DNA position 1738, G replaced by A.
Protein change: p.Gly580Ser; replaces glycine 580 with serine.
Molecular consequence: missense variant.
Genome position (GRCh38, 1-based): chr15:30,914,018, G>A. VCF-style: chr15-30914018-G-A. GRCh37 (hg19) VCF-style: chr15-31206221-G-A.
Other names: short protein forms G580S.
Identifiers: ClinVar variation 3277594 (VCV003277594.3).